The following is an entry in ClinVar:

ClinVar aggregate classification (germline): Uncertain significance. Review status: criteria provided, multiple submitters, no conflicts (2 of 4 stars). 3 submissions from 3 submitters: Uncertain significance (3). Last evaluated 2024-11-18.

Conditions:
Mitochondrial complex I deficiency, nuclear type 11. Also called: Mitochondrial complex 1 deficiency, nuclear type 11. Identifiers: MedGen C4748769, MONDO:0032617, OMIM 618234.

Allele frequency attached by ClinVar (database versions not stated): ExAC 0.00001; gnomAD exomes 0.00002; gnomAD 0.00005; TOPMed 0.00009.
gnomAD v4.1: 21 of 1,613,978 alleles (0.0013%); highest among the groups gnomAD compares: Admixed American, 0.022%; no homozygotes.

Submissions (3):

Labcorp Genetics (formerly Invitae), Labcorp
Classification: Uncertain significance. Last evaluated: 2024-11-18. Review status: criteria provided, single submitter. Criteria: Invitae Variant Classification Sherloc (09022015). Collection method: clinical testing. Allele origin: germline.
Comment: This sequence change replaces lysine, which is basic and polar, with glutamic acid, which is acidic and polar, at codon 153 of the NDUFAF1 protein (p.Lys153Glu). This variant is present in population databases (rs571701028, gnomAD 0.01%). This variant has not been reported in the literature in individuals affected with NDUFAF1-related conditions. ClinVar contains an entry for this variant (Variation ID: 1213729). Invitae Evidence Modeling of protein sequence and biophysical properties (such as structural, functional, and spatial information, amino acid conservation, physicochemical variation, residue mobility, and thermodynamic stability) indicates that this missense variant is not expected to disrupt NDUFAF1 protein function with a negative predictive value of 80%. In summary, the available evidence is currently insufficient to determine the role of this variant in disease. Therefore, it has been classified as a Variant of Uncertain Significance.

Ambry Genetics
Classification: Uncertain significance. Last evaluated: 2021-10-22. Review status: criteria provided, single submitter. Criteria: Ambry Variant Classification Scheme 2023. Collection method: clinical testing. Allele origin: germline.

New York Genome Center
Classification: Uncertain significance for Mitochondrial complex I deficiency, nuclear type 11. Last evaluated: 2020-11-04. Review status: criteria provided, single submitter. Criteria: NYGC Assertion Criteria 2020. Collection method: clinical testing. Allele origin: germline. Observed: 1 heterozygote. Study: CSER-NYCKidSeq.

NM_016013.4(NDUFAF1):c.457A>G (p.Lys153Glu)

Gene: NDUFAF1 (NADH:ubiquinone oxidoreductase complex assembly factor 1; minus strand). Cytogenetic location: 15q15.1.
Variant type: single nucleotide variant.
Coding change: c.457A>G on transcript NM_016013.4 (MANE Select); coding-DNA position 457, A replaced by G.
Protein change: p.Lys153Glu; replaces lysine 153 with glutamic acid.
Molecular consequence: missense variant. On other transcripts: non-coding transcript variant (1).
Genome position (GRCh38, 1-based): chr15:41,396,603, T>C on the plus strand (A>G on the coding strand, the complement: NDUFAF1 is on the minus strand). VCF-style: chr15-41396603-T-C. GRCh37 (hg19) VCF-style: chr15-41688801-T-C.
Other names: c.457A>G (NM_016013.2); short protein forms K153E.
Identifiers: ClinVar variation 1213729 (VCV001213729.9), dbSNP rs571701028, ClinGen allele CA7491336.